The following is an entry in ClinVar:

NM_001849.4(COL6A2):c.2423-9C>G

Gene: COL6A2 (collagen type VI alpha 2 chain; plus strand). Cytogenetic location: 21q22.3.
Variant type: single nucleotide variant.
Coding change: c.2423-9C>G on transcript NM_001849.4 (MANE Select); 9 bases into the intron before coding-DNA position 2423, C replaced by G.
Molecular consequence: intron variant.
Genome position (GRCh38, 1-based): chr21:46,126,494, C>G. VCF-style: chr21-46126494-C-G. GRCh37 (hg19) VCF-style: chr21-47546408-C-G.
Other names: c.2423-9C>G (NM_058175.3, NM_058174.3).
Identifiers: ClinVar variation 340376 (VCV000340376.21), dbSNP rs368725753, ClinGen allele CA10072618.

ClinVar aggregate classification (germline): Conflicting classifications of pathogenicity. Review status: criteria provided, conflicting classifications (1 of 4 stars). 3 submissions from 3 submitters: Uncertain significance (1); Benign (1); Likely benign (1). Last evaluated 2026-01-17.

Conditions:
Bethlem myopathy 1A. Also called: Bethlem myopathy 1; Bethlem Muscular Dystrophy; MYOPATHY, BENIGN CONGENITAL, WITH CONTRACTURES. Identifiers: Orphanet 610, MedGen CN029274, MONDO:0024530, OMIM 158810.
Collagen 6-related myopathy. Identifiers: MedGen CN117976, MONDO:0100225.

Allele frequency attached by ClinVar (database versions not stated): ESP Exome Variant Server 0.00015; gnomAD exomes 0.00019 and 0.00040; TOPMed 0.00023; gnomAD 0.00026; ExAC 0.00035.

Submissions (6):

Labcorp Genetics (formerly Invitae), Labcorp
Classification: Likely benign for Bethlem myopathy 1A. Last evaluated: 2026-01-17. Review status: criteria provided, single submitter. Criteria: Invitae Variant Classification Sherloc (09022015). Collection method: clinical testing. Allele origin: germline.

Illumina Laboratory Services, Illumina
Classification: Benign for Collagen VI-related myopathy. Last evaluated: 2018-01-13. Review status: criteria provided, single submitter. Criteria: ICSL Variant Classification Criteria 13 December 2019. Collection method: clinical testing. Allele origin: germline.
Comment: This variant was observed in the ICSL laboratory as part of a predisposition screen in an ostensibly healthy population. It had not been previously curated by ICSL or reported in the Human Gene Mutation Database (HGMD: prior to June 1st, 2018), and was therefore a candidate for classification through an automated scoring system. Utilizing variant allele frequency, disease prevalence and penetrance estimates, and inheritance mode, an automated score was calculated to assess if this variant is too frequent to cause the disease. Based on the score and internal cut-off values, a variant classified as benign is not then subjected to further curation. The score for this variant resulted in a classification of benign for this disease.

Eurofins Ntd Llc (ga)
Classification: Uncertain significance. Last evaluated: 2016-10-10. Review status: criteria provided, single submitter. Criteria: EGL Classification Definitions 2015. Collection method: clinical testing. Allele origin: germline. Observed: 1 variant allele, 1 heterozygote.

Dr. Peter K. Rogan Lab, Western University
No classification provided (evidence only). Condition: Cervical cancer. Review status: no classification provided. Collection method: in vitro. Allele origin: not applicable. Functional consequence: retained intron. Not counted in ClinVar's aggregate classification.

Dr. Peter K. Rogan Lab, Western University
No classification provided (evidence only). Condition: Ovarian serous cystadenocarcinoma. Review status: no classification provided. Collection method: in vitro. Allele origin: not applicable. Functional consequence: retained intron. Not counted in ClinVar's aggregate classification.

Dr. Peter K. Rogan Lab, Western University
No classification provided (evidence only). Condition: Ovarian serous cystadenocarcinoma. Review status: no classification provided. Collection method: in vitro. Allele origin: not applicable. Functional consequence: retained intron. Not counted in ClinVar's aggregate classification.